The following is an entry in ClinVar:

ClinVar aggregate classification (germline): Uncertain significance (1 of 4 stars; one submission).

Conditions:
Hereditary cancer-predisposing syndrome. Also called: Neoplastic Syndromes, Hereditary; Tumor predisposition; Hereditary Cancer Syndrome; Hereditary neoplastic syndrome. Identifiers: Orphanet 140162, MedGen C0027672, MeSH D009386, MONDO:0015356.

Submission:

Ambry Genetics
Classification: Uncertain significance for Hereditary cancer-predisposing syndrome. Last evaluated: 2022-02-05. Review status: criteria provided, single submitter. Criteria: Ambry Variant Classification Scheme 2023. Collection method: clinical testing. Allele origin: germline.
Comment: The p.L2150P variant (also known as c.6449T>C), located in coding exon 15 of the APC gene, results from a T to C substitution at nucleotide position 6449. The leucine at codon 2150 is replaced by proline, an amino acid with similar properties. This amino acid position is conserved. In addition, in silico predictors for this gene do not accurately predict pathogenicity. Since supporting evidence is limited at this time, the clinical significance of this alteration remains unclear.

NM_000038.6(APC):c.6449T>C (p.Leu2150Pro)

Gene: APC (APC regulator of Wnt signaling pathway; plus strand). Cytogenetic location: 5q22.2.
Variant type: single nucleotide variant.
Coding change: c.6449T>C on transcript NM_000038.6 (MANE Select); coding-DNA position 6449, T replaced by C.
Protein change: p.Leu2150Pro; replaces leucine 2150 with proline.
Molecular consequence: missense variant.
Genome position (GRCh38, 1-based): chr5:112,842,043, T>C. VCF-style: chr5-112842043-T-C. GRCh37 (hg19) VCF-style: chr5-112177740-T-C.
Other names: c.6449T>C, p.Leu2150Pro (NM_001127510.3, NM_001354895.2, NM_001407450.1); c.6395T>C, p.Leu2132Pro (NM_001127511.3); c.6503T>C, p.Leu2168Pro (NM_001354896.2, NM_001407447.1, NM_001407448.1 and 1 more transcripts); c.6479T>C, p.Leu2160Pro (NM_001354897.2); c.6374T>C, p.Leu2125Pro (NM_001354898.2); c.6365T>C, p.Leu2122Pro (NM_001354899.2); c.6326T>C, p.Leu2109Pro (NM_001354900.2); c.6272T>C, p.Leu2091Pro (NM_001354901.2, NM_001407453.1); and 11 more; short protein forms L1867P, L2091P, L2140P, L2143P, L2168P, L1990P, L2024P, L2125P.
Identifiers: ClinVar variation 1753579 (VCV001753579.2), dbSNP rs2149965139, ClinGen allele CA16035443.